The following is an entry in ClinVar:

NM_001374736.1(DST):c.19012+20G>T

Gene: DST (dystonin; minus strand). Cytogenetic location: 6p12.1.
Variant type: single nucleotide variant.
Coding change: c.19012+20G>T on transcript NM_001374736.1 (MANE Select); 20 bases into the intron after coding-DNA position 19012, G replaced by T.
Molecular consequence: intron variant.
Genome position (GRCh38, 1-based): chr6:56,509,622, C>A on the plus strand (G>T on the coding strand, the complement: DST is on the minus strand). VCF-style: chr6-56509622-C-A. GRCh37 (hg19) VCF-style: chr6-56374420-C-A.
Other names: c.12655+20G>T (NM_001144769.5); c.19012+20G>T (NM_001374722.1); c.19039+20G>T (NM_001374734.1); c.12241+20G>T (NM_001144770.2); c.11794+20G>T (NM_001374730.1); c.12121+20G>T (NM_001386100.1, NM_183380.4); c.18052+20G>T (NM_001374729.1); c.11143+20G>T (NM_015548.5).
Identifiers: ClinVar variation 1448537 (VCV001448537.5), dbSNP rs1562457372, ClinGen allele CA1089306817.

ClinVar aggregate classification (germline): Uncertain significance (1 of 4 stars; one submission).

Conditions:
Hereditary sensory and autonomic neuropathy type 6. Also called: HSAN VI; Neuropathy, hereditary sensory and autonomic, type VI. Identifiers: Orphanet 314381, MedGen C3539003, MONDO:0013839, OMIM 614653.
Epidermolysis bullosa simplex 3, localized or generalized intermediate, with BP230 deficiency (EBS3). Also called: Epidermolysis bullosa simplex, autosomal recessive 2; Epidermolysis bullosa simplex due to BP230 deficiency. Identifiers: Orphanet 412181, MedGen C3809470, MONDO:0014180, OMIM 615425.

Allele frequency attached by ClinVar (database versions not stated): gnomAD 0.00002; TOPMed 0.00002.
gnomAD v4.1: 9 of 1,581,234 alleles (0.00057%); highest among the groups gnomAD compares: Admixed American, 0.015%; no homozygotes.

Submission:

Labcorp Genetics (formerly Invitae), Labcorp
Classification: Uncertain significance for Epidermolysis bullosa simplex 3, localized or generalized intermediate, with BP230 deficiency; Hereditary sensory and autonomic neuropathy type 6. Last evaluated: 2021-12-02. Review status: criteria provided, single submitter. Criteria: Invitae Variant Classification Sherloc (09022015). Collection method: clinical testing. Allele origin: germline.
Comment: In summary, the available evidence is currently insufficient to determine the role of this variant in disease. Therefore, it has been classified as a Variant of Uncertain Significance. Algorithms developed to predict the effect of sequence changes on RNA splicing suggest that this variant may create or strengthen a splice site. This variant has not been reported in the literature in individuals affected with DST-related conditions. This variant is not present in population databases (gnomAD no frequency). This sequence change falls in intron 55 of the DST gene. It does not directly change the encoded amino acid sequence of the DST protein. The DST gene has multiple clinically relevant transcripts. This variant occurs in alternate transcript NM_015548.4, and corresponds to NM_001723.5:c.*105895G>T in the primary transcript.